The following is an entry in ClinVar:

NM_000218.3(KCNQ1):c.386T>G (p.Val129Gly)

Gene: KCNQ1 (potassium voltage-gated channel subfamily Q member 1; plus strand). Cytogenetic location: 11p15.5.
Variant type: single nucleotide variant.
Coding change: c.386T>G on transcript NM_000218.3 (MANE Select); coding-DNA position 386, T replaced by G.
Protein change: p.Val129Gly; replaces valine 129 with glycine.
Molecular consequence: missense variant.
Genome position (GRCh38, 1-based): chr11:2,445,484, T>G. VCF-style: chr11-2445484-T-G. GRCh37 (hg19) VCF-style: chr11-2466714-T-G.
Other names: short protein forms V129G.
Identifiers: ClinVar variation 977167 (VCV000977167.1), dbSNP rs1846024488, ClinGen allele CA379117883.

ClinVar aggregate classification (germline): Uncertain significance (0 of 4 stars; one submission).

Conditions:
Long QT syndrome (LQTS). Identifiers: MedGen C0023976, MeSH D008133, MONDO:0002442, HP:0001657. Disease mechanism: loss of function. Inheritance: Various modes of inheritance.

Submission:

Agnes Ginges Centre for Molecular Cardiology, Centenary Institute
Classification: Uncertain significance for Long QT syndrome. Last evaluated: 2020-02-24. Review status: no assertion criteria provided. Collection method: research. Allele origin: germline. Inheritance: Autosomal dominant inheritance. Affected: yes.
Comment: For further information please feel free to contact us.

Literature cited by the submitters: PubMed 19841300; PubMed 14661677.